The following is an entry in ClinVar:

ClinVar aggregate classification (germline): Uncertain significance (1 of 4 stars; one submission).

Conditions:
Amyotrophic lateral sclerosis type 21. Also called: MYOPATHY, DISTAL, 2; VOCAL CORD AND PHARYNGEAL DYSFUNCTION WITH DISTAL MYOPATHY. Identifiers: Orphanet 600, Orphanet 803, MedGen C3807521, MONDO:0011632, OMIM 606070.

Submission:

Labcorp Genetics (formerly Invitae), Labcorp
Classification: Uncertain significance for Amyotrophic lateral sclerosis type 21. Last evaluated: 2024-04-05. Review status: criteria provided, single submitter. Criteria: Invitae Variant Classification Sherloc (09022015). Collection method: clinical testing. Allele origin: germline.
Comment: This sequence change replaces asparagine, which is neutral and polar, with lysine, which is basic and polar, at codon 727 of the MATR3 protein (p.Asn727Lys). This variant is not present in population databases (gnomAD no frequency). This variant has not been reported in the literature in individuals affected with MATR3-related conditions. ClinVar contains an entry for this variant (Variation ID: 1522010). Advanced modeling of protein sequence and biophysical properties (such as structural, functional, and spatial information, amino acid conservation, physicochemical variation, residue mobility, and thermodynamic stability) performed at Invitae indicates that this missense variant is not expected to disrupt MATR3 protein function with a negative predictive value of 80%. In summary, the available evidence is currently insufficient to determine the role of this variant in disease. Therefore, it has been classified as a Variant of Uncertain Significance.

NM_018834.6(MATR3):c.2181C>G (p.Asn727Lys)

Gene: MATR3 (matrin 3; plus strand). Cytogenetic location: 5q31.2.
Variant type: single nucleotide variant.
Coding change: c.2181C>G on transcript NM_018834.6 (MANE Select); coding-DNA position 2181, C replaced by G.
Protein change: p.Asn727Lys; replaces asparagine 727 with lysine.
Molecular consequence: missense variant.
Genome position (GRCh38, 1-based): chr5:139,325,472, C>G. VCF-style: chr5-139325472-C-G. GRCh37 (hg19) VCF-style: chr5-138661161-C-G.
Other names: c.2181C>G, p.Asn727Lys (NM_001194954.2, NM_001194955.2, NM_199189.3); c.1317C>G, p.Asn439Lys (NM_001194956.2); c.1167C>G, p.Asn389Lys (NM_001282278.2); short protein forms N389K, N439K, N727K.
Identifiers: ClinVar variation 1522010 (VCV001522010.6), dbSNP rs772833565, ClinGen allele CA361146081.
Genomic context (GRCh38, chr5:139,325,472, plus strand): 5'-AAATGATGATGGTTTGGTTGAAATTAAGGTGGACAAGATCGAGGAACTTGATCAAGAAAA[C>G]GAAGCAGCGTTGGAAAATGGAATTAAAAATGAGGAAAACACAGAACCAGGTGCTGAATCT-3'
Protein context (NP_061322.2, residues 717-737): VDKIEELDQE[Asn727Lys]EAALENGIKN